The following is an entry in ClinVar:

NM_022773.4(LMF1):c.1487C>A (p.Ser496Tyr)

Gene: LMF1 (lipase maturation factor 1; minus strand). Cytogenetic location: 16p13.3.
Variant type: single nucleotide variant.
Coding change: c.1487C>A on transcript NM_022773.4 (MANE Select); coding-DNA position 1487, C replaced by A.
Protein change: p.Ser496Tyr; replaces serine 496 with tyrosine.
Molecular consequence: missense variant. On other transcripts: synonymous variant (1), non-coding transcript variant (1).
Genome position (GRCh38, 1-based): chr16:868,986, G>T on the plus strand (C>A on the coding strand, the complement: LMF1 is on the minus strand). VCF-style: chr16-868986-G-T. GRCh37 (hg19) VCF-style: chr16-918986-G-T.
Other names: c.836C>A, p.Ser279Tyr (NM_001352017.2, NM_001352021.2); c.1088C>A, p.Ser363Tyr (NM_001352018.2); c.1160C>A, p.Ser387Tyr (NM_001352019.2); c.1407C>A, p.Val469= (NM_001352020.1); short protein forms S387Y, S363Y, S496Y, S279Y.
Identifiers: ClinVar variation 4098532 (VCV004098532.1).

ClinVar aggregate classification (germline): Uncertain significance (1 of 4 stars; one submission).

Conditions:
Cardiovascular phenotype. Identifiers: MedGen CN230736.

gnomAD v4.1: 1 of 1,612,480 alleles (0.000062%); highest among the groups gnomAD compares: East Asian, 0.0022%; no homozygotes.

Submission:

Ambry Genetics
Classification: Uncertain significance for Cardiovascular phenotype. Last evaluated: 2025-08-12. Review status: criteria provided, single submitter. Criteria: Ambry Variant Classification Scheme 2023. Collection method: clinical testing. Allele origin: germline.
Comment: The p.S496Y variant (also known as c.1487C>A), located in coding exon 10 of the LMF1 gene, results from a C to A substitution at nucleotide position 1487. The serine at codon 496 is replaced by tyrosine, an amino acid with dissimilar properties. This amino acid position is conserved. In addition, this alteration is predicted to be tolerated by in silico analysis. Based on the available evidence, the clinical significance of this variant remains unclear.